The following is an entry in ClinVar:

ClinVar aggregate classification (germline): Uncertain significance (1 of 4 stars; one submission).

Conditions:
Developmental and epileptic encephalopathy, 54. Also called: HNRNPU-Related Neurodevelopmental Disorder; Epileptic encephalopathy, early infantile, 54. Identifiers: MedGen C4479319, MONDO:0033363, OMIM 617391.

Submission:

Labcorp Genetics (formerly Invitae), Labcorp
Classification: Uncertain significance for Developmental and epileptic encephalopathy, 54. Last evaluated: 2022-08-17. Review status: criteria provided, single submitter. Criteria: Invitae Variant Classification Sherloc (09022015). Collection method: clinical testing. Allele origin: germline.
Comment: This variant is not present in population databases (gnomAD no frequency). This sequence change falls in intron 7 of the HNRNPU gene. It does not directly change the encoded amino acid sequence of the HNRNPU protein. It affects a nucleotide within the consensus splice site. This variant has not been reported in the literature in individuals affected with HNRNPU-related conditions. In summary, the available evidence is currently insufficient to determine the role of this variant in disease. Therefore, it has been classified as a Variant of Uncertain Significance. Variants that disrupt the consensus splice site are a relatively common cause of aberrant splicing (PMID: 17576681, 9536098). Algorithms developed to predict the effect of sequence changes on RNA splicing suggest that this variant may create or strengthen a splice site.

Literature cited by the submitters: PubMed 17576681; PubMed 9536098.

NM_031844.3(HNRNPU):c.1494+5G>C

Gene: HNRNPU (heterogeneous nuclear ribonucleoprotein U; minus strand). Cytogenetic location: 1q44.
Variant type: single nucleotide variant.
Coding change: c.1494+5G>C on transcript NM_031844.3 (MANE Select); 5 bases into the intron after coding-DNA position 1494, G replaced by C.
Molecular consequence: intron variant.
Genome position (GRCh38, 1-based): chr1:244,858,006, C>G on the plus strand (G>C on the coding strand, the complement: HNRNPU is on the minus strand). VCF-style: chr1-244858006-C-G. GRCh37 (hg19) VCF-style: chr1-245021308-C-G.
Other names: c.1437+5G>C (NM_004501.3).
Identifiers: ClinVar variation 2024409 (VCV002024409.4), dbSNP rs2527876677, ClinGen allele CA2580063539.